The following is an entry in ClinVar:

NM_016279.4(CDH9):c.2202G>A (p.Ser734=)

Gene: CDH9 (cadherin 9; minus strand). Cytogenetic location: 5p14.1.
Variant type: single nucleotide variant.
Coding change: c.2202G>A on transcript NM_016279.4 (MANE Select); coding-DNA position 2202, G replaced by A.
Protein change: p.Ser734=; no amino-acid change (serine 734 retained).
Molecular consequence: synonymous variant.
Genome position (GRCh38, 1-based): chr5:26,881,304, C>T on the plus strand (G>A on the coding strand, the complement: CDH9 is on the minus strand). VCF-style: chr5-26881304-C-T. GRCh37 (hg19) VCF-style: chr5-26881413-C-T.
Identifiers: ClinVar variation 91992 (VCV000091992.2), dbSNP rs145815030, ClinGen allele CA232310.

ClinVar aggregate classification (germline): Uncertain significance (0 of 4 stars; one submission).

Allele frequency attached by ClinVar (database versions not stated): TOPMed 0.00002; ESP Exome Variant Server 0.00008.
gnomAD v4.1: 5 of 1,612,690 alleles (0.00031%); highest among the groups gnomAD compares: African/African-American, 0.004%; no homozygotes.

Submission:

Richard Lifton Laboratory, Yale University School of Medicine
Classification: Uncertain significance. Review status: no assertion criteria provided. Collection method: not provided. Allele origin: somatic.
Comment: CDH9
ClinVar note: Converted during submission from unknown to Uncertain significance.